The following is an entry in ClinVar:

NM_019066.5(MAGEL2):c.334C>T (p.Pro112Ser)

Gene: MAGEL2 (MAGE family member L2; minus strand). Cytogenetic location: 15q11.2.
Variant type: single nucleotide variant.
Coding change: c.334C>T on transcript NM_019066.5 (MANE Select); coding-DNA position 334, C replaced by T.
Protein change: p.Pro112Ser; replaces proline 112 with serine.
Molecular consequence: missense variant.
Genome position (GRCh38, 1-based): chr15:23,647,409, G>A on the plus strand (C>T on the coding strand, the complement: MAGEL2 is on the minus strand). VCF-style: chr15-23647409-G-A. GRCh37 (hg19) VCF-style: chr15-23892556-G-A.
Other names: short protein forms P112S.
Identifiers: ClinVar variation 1976753 (VCV001976753.5), dbSNP rs2503984912, ClinGen allele CA391337430.

ClinVar aggregate classification (germline): Uncertain significance (1 of 4 stars; one submission).

Submission:

Labcorp Genetics (formerly Invitae), Labcorp
Classification: Uncertain significance. Last evaluated: 2022-06-30. Review status: criteria provided, single submitter. Criteria: Invitae Variant Classification Sherloc (09022015). Collection method: clinical testing. Allele origin: germline.
Comment: In summary, the available evidence is currently insufficient to determine the role of this variant in disease. Therefore, it has been classified as a Variant of Uncertain Significance. Experimental studies and prediction algorithms are not available or were not evaluated, and the functional significance of this variant is currently unknown. This variant has not been reported in the literature in individuals affected with MAGEL2-related conditions. This variant is not present in population databases (gnomAD no frequency). This sequence change replaces proline, which is neutral and non-polar, with serine, which is neutral and polar, at codon 112 of the MAGEL2 protein (p.Pro112Ser).